The following is an entry in ClinVar:

ClinVar aggregate classification (germline): Pathogenic/Likely pathogenic. Review status: criteria provided, multiple submitters, no conflicts (2 of 4 stars). 6 submissions from 6 submitters: Pathogenic (3); Likely pathogenic (1). 2 of the submissions do not count toward it. Last evaluated 2026-05-23.

Conditions:
ABCC6-related disorder. Also called: ABCC6-related condition.
Autosomal recessive inherited pseudoxanthoma elasticum (PXE). Identifiers: Orphanet 758, MedGen CN032334, MONDO:0009925, OMIM 264800.
Arterial calcification, generalized, of infancy, 2. Identifiers: Orphanet 51608, MedGen C3276161, MONDO:0013768, OMIM 614473.

Allele frequency attached by ClinVar (database versions not stated): gnomAD exomes below 0.00001; gnomAD 0.00001.

Submissions (6):

GeneDx
Classification: Pathogenic. Last evaluated: 2026-05-23. Review status: criteria provided, single submitter. Criteria: GeneDx Variant Classification Process June 2021. Collection method: clinical testing. Allele origin: germline.
Comment: Frameshift variant predicted to result in protein truncation or nonsense mediated decay in a gene for which loss of function is a known mechanism of disease; Not observed at significant frequency in large population cohorts (gnomAD); This variant is associated with the following publications: (PMID: 34906475, 16086317)

Institute of Human Genetics, University of Leipzig Medical Center
Classification: Pathogenic for Autosomal recessive inherited pseudoxanthoma elasticum. Last evaluated: 2025-01-17. Review status: criteria provided, single submitter. Criteria: ACMG Guidelines, 2015. Collection method: clinical testing. Allele origin: unknown. Inheritance: Autosomal recessive inheritance. Affected: yes.
Comment: Criteria applied: PVS1,PM3,PM2_SUP; Identified as compund heterozygous with NM_001171.6:c.3542G>A

New York Genome Center
Classification: Pathogenic for Autosomal recessive inherited pseudoxanthoma elasticum; Arterial calcification, generalized, of infancy, 2. Last evaluated: 2024-08-23. Review status: criteria provided, single submitter. Criteria: NYGC Assertion Criteria 2020. Collection method: clinical testing. Allele origin: inherited. Affected: yes. Observed: 1 variant allele, 1 compound heterozygote.
Comment: The inherited c.105del, p.(Val37SerfsTer44) variant identified in the ABCC6 gene is the deletion of a single nucleotide within exon 2/21, which is predicted to lead to frameshift of the protein at amino acid 37/1390 and lead to loss of function via nonsense mediated decay or premature truncation of the protein approximately 44 amino acids downstream. This variant is found with low frequency in population database gnomADv4.1 (allele frequency:3.09e-6, 0 homozygotes)suggesting it is not a common benign variant in the populations represented in that database. The c.105del, p.(Val37SerfsTer44) variant is reported in ClinVar as Likely Pathogenic (VarID:433200) and has been reported in several individuals in the literature with PXE with a second ABCC6 variant [PMID:16086317, 32372237,34906475]. Given the available evidence the inherited c.105del, p.(Val37SerfsTer44) variant identified in the ABCC6 gene is reported as Pathogenic.

Blueprint Genetics
Classification: Likely pathogenic for ABCC6-related disorders. Last evaluated: 2023-10-02. Review status: criteria provided, single submitter. Criteria: ACMG Guidelines, 2015. Collection method: clinical testing. Allele origin: germline. Affected: yes. Observed: 2 variant alleles.

PreventionGenetics, part of Exact Sciences
Classification: Pathogenic for ABCC6-related condition. Last evaluated: 2024-06-13. Review status: no assertion criteria provided. Collection method: clinical testing. Allele origin: germline. Not counted in ClinVar's aggregate classification.
Comment: The ABCC6 c.105delA variant is predicted to result in a frameshift and premature protein termination (p.Ala35Alafs*46). This variant has been reported in the compound heterozygous state in individuals with pseudoxanthoma elasticum (Miksch et al. 2005. PubMed ID: 16086317; Table S1, Saeidian et al. 2021. PubMed ID: 34906475). This variant is reported in 1 allele in individuals of African descent in gnomAD. Frameshift variants in ABCC6 are expected to be pathogenic. This variant is interpreted as pathogenic.

PXE International
Classification: Likely pathogenic for Autosomal recessive inherited pseudoxanthoma elasticum. Last evaluated: 2021-03-02. Review status: no assertion criteria provided. Collection method: research. Allele origin: germline. Inheritance: Autosomal recessive inheritance. Affected: yes. Observed: 3 variant alleles. Clinical features observed: Papule (HP:0200034), Skin plaque (HP:0200035), Retinal hemorrhage (HP:0000573), Intermittent claudication (HP:0004417), Abnormally lax or hyperextensible skin (HP:0008067), Gastrointestinal hemorrhage (HP:0002239), Angina pectoris (HP:0001681), Abnormal EKG (HP:0003115). Not counted in ClinVar's aggregate classification.

Literature cited by the submitters: PubMed 16086317 (cited by New York Genome Center and PXE International); PubMed 32372237 (cited by New York Genome Center); PubMed 34906475 (cited by New York Genome Center).

NM_001171.6(ABCC6):c.105del (p.Val37fs)

Gene: ABCC6 (ATP binding cassette subfamily C member 6; minus strand). Cytogenetic location: 16p13.11.
Variant type: Deletion.
Coding change: c.105del on transcript NM_001171.6 (MANE Select); coding-DNA position 105, one base deleted (A; older notation c.105delA).
Protein change: p.Val37fs; shifts the reading frame from valine 37.
Molecular consequence: frameshift variant. On other transcripts: 5 prime UTR variant (1), non-coding transcript variant (1).
Genome position (GRCh38, 1-based): chr16:16,221,763, T deleted on the plus strand (A on the coding strand, the reverse complement: ABCC6 is on the minus strand). VCF-style (leftmost placement, unchanged base first): chr16-16221762-CT-C. GRCh37 (hg19) VCF-style: chr16-16315619-CT-C.
Other names: c.105delA (NM_001171.5); c.105del, p.Val37fs (NM_001079528.4); c.-269del (NM_001351800.1); c.105del (NM_001171.5); short protein forms V37fs.
Identifiers: ClinVar variation 433200 (VCV000433200.11), dbSNP rs72664223, ClinGen allele CA279014407.